The following is an entry in ClinVar:

ClinVar aggregate classification (germline): Uncertain significance. Review status: criteria provided, multiple submitters, no conflicts (2 of 4 stars). 2 submissions from 2 submitters: Uncertain significance (2). Last evaluated 2024-07-01.

Allele frequency attached by ClinVar (database versions not stated): TOPMed 0.00001.
gnomAD v4.1: 3 of 1,612,718 alleles (0.00019%); highest among the groups gnomAD compares: African/African-American, 0.004%; no homozygotes.

Submissions (2):

GeneDx
Classification: Uncertain significance. Last evaluated: 2024-07-01. Review status: criteria provided, single submitter. Criteria: GeneDx Variant Classification Process June 2021. Collection method: clinical testing. Allele origin: germline.
Comment: Not observed at significant frequency in large population cohorts (gnomAD); In silico analysis supports that this missense variant does not alter protein structure/function; Has not been previously published as pathogenic or benign to our knowledge

Labcorp Genetics (formerly Invitae), Labcorp
Classification: Uncertain significance. Last evaluated: 2022-08-08. Review status: criteria provided, single submitter. Criteria: Invitae Variant Classification Sherloc (09022015). Collection method: clinical testing. Allele origin: germline.
Comment: In summary, the available evidence is currently insufficient to determine the role of this variant in disease. Therefore, it has been classified as a Variant of Uncertain Significance. Algorithms developed to predict the effect of missense changes on protein structure and function (SIFT, PolyPhen-2, Align-GVGD) all suggest that this variant is likely to be tolerated. This variant has not been reported in the literature in individuals affected with SLC1A2-related conditions. This variant is not present in population databases (gnomAD no frequency). This sequence change replaces threonine, which is neutral and polar, with alanine, which is neutral and non-polar, at codon 517 of the SLC1A2 protein (p.Thr517Ala).

NM_004171.4(SLC1A2):c.1549A>G (p.Thr517Ala)

Gene: SLC1A2 (solute carrier family 1 member 2; minus strand). Cytogenetic location: 11p13.
Variant type: single nucleotide variant.
Coding change: c.1549A>G on transcript NM_004171.4 (MANE Select); coding-DNA position 1549, A replaced by G.
Protein change: p.Thr517Ala; replaces threonine 517 with alanine.
Molecular consequence: missense variant.
Genome position (GRCh38, 1-based): chr11:35,265,631, T>C on the plus strand (A>G on the coding strand, the complement: SLC1A2 is on the minus strand). VCF-style: chr11-35265631-T-C. GRCh37 (hg19) VCF-style: chr11-35287178-T-C.
Other names: c.1549A>G (NM_004171.3); c.1522A>G, p.Thr508Ala (NM_001195728.3, NM_001252652.2); short protein forms T517A, T508A.
Identifiers: ClinVar variation 2165799 (VCV002165799.6), dbSNP rs769294295, ClinGen allele CA220480911.